The following is an entry in ClinVar:

ClinVar aggregate classification (germline): Uncertain significance (1 of 4 stars; one submission).

Conditions:
Combined immunodeficiency with skin granulomas. Identifiers: Orphanet 157949, MedGen C2673536, MONDO:0009306, OMIM 233650.
Severe combined immunodeficiency, autosomal recessive, T cell-negative, B cell-negative, NK cell-positive. Also called: SCID, T CELL-NEGATIVE, B CELL-NEGATIVE, NK CELL-POSITIVE; SCID, AR, T-cell negative, B-cell negative, NK cell-positive; Severe combined immunodeficiency due to complete RAG1/2 deficiency. Identifiers: Orphanet 331206, MedGen C1832322, MONDO:0011086, OMIM 601457.

Allele frequency attached by ClinVar (database versions not stated): TOPMed 0.00003.
gnomAD v4.1: 15 of 1,614,044 alleles (0.00093%); highest among the groups gnomAD compares: African/African-American, 0.0013%; no homozygotes.

Submission:

Labcorp Genetics (formerly Invitae), Labcorp
Classification: Uncertain significance for Combined immunodeficiency with skin granulomas; Severe combined immunodeficiency, autosomal recessive, T cell-negative, B cell-negative, NK cell-positive. Last evaluated: 2024-10-16. Review status: criteria provided, single submitter. Criteria: Invitae Variant Classification Sherloc (09022015). Collection method: clinical testing. Allele origin: germline.
Comment: This sequence change replaces leucine, which is neutral and non-polar, with phenylalanine, which is neutral and non-polar, at codon 107 of the RAG1 protein (p.Leu107Phe). This variant is present in population databases (no rsID available, gnomAD 0.007%). This variant has not been reported in the literature in individuals affected with RAG1-related conditions. ClinVar contains an entry for this variant (Variation ID: 853815). Invitae Evidence Modeling of protein sequence and biophysical properties (such as structural, functional, and spatial information, amino acid conservation, physicochemical variation, residue mobility, and thermodynamic stability) indicates that this missense variant is not expected to disrupt RAG1 protein function with a negative predictive value of 80%. In summary, the available evidence is currently insufficient to determine the role of this variant in disease. Therefore, it has been classified as a Variant of Uncertain Significance.

NM_000448.3(RAG1):c.319C>T (p.Leu107Phe)

Gene: RAG1 (recombination activating 1; plus strand). Cytogenetic location: 11p12.
Variant type: single nucleotide variant.
Coding change: c.319C>T on transcript NM_000448.3 (MANE Select); coding-DNA position 319, C replaced by T.
Protein change: p.Leu107Phe; replaces leucine 107 with phenylalanine.
Molecular consequence: missense variant.
Genome position (GRCh38, 1-based): chr11:36,573,623, C>T. VCF-style: chr11-36573623-C-T. GRCh37 (hg19) VCF-style: chr11-36595173-C-T.
Other names: c.319C>T, p.Leu107Phe (NM_001377277.1, NM_001377278.1, NM_001377279.1 and 1 more transcripts); short protein forms L107F.
Identifiers: ClinVar variation 853815 (VCV000853815.8), dbSNP rs144019501, ClinGen allele CA220600096.